The following is an entry in ClinVar:

NM_018684.4(ZC4H2):c.149A>T (p.Gln50Leu)

Gene: ZC4H2 (zinc finger C4H2-type containing; minus strand). Cytogenetic location: Xq11.2.
Variant type: single nucleotide variant.
Coding change: c.149A>T on transcript NM_018684.4 (MANE Select); coding-DNA position 149, A replaced by T.
Protein change: p.Gln50Leu; replaces glutamine 50 with leucine.
Molecular consequence: missense variant. On other transcripts: non-coding transcript variant (1).
Genome position (GRCh38, 1-based): chrX:64,921,893, T>A on the plus strand (A>T on the coding strand, the complement: ZC4H2 is on the minus strand). VCF-style: chrX-64921893-T-A. GRCh37 (hg19) VCF-style: chrX-64141773-T-A.
Other names: c.80A>T, p.Gln27Leu (NM_001178032.3, NM_001243804.2); c.149A>T, p.Gln50Leu (NM_001178033.3); short protein forms Q27L, Q50L.
Identifiers: ClinVar variation 1773948 (VCV001773948.3), dbSNP rs1929212331, ClinGen allele CA413412264.

ClinVar aggregate classification (germline): Uncertain significance. Review status: criteria provided, multiple submitters, no conflicts (2 of 4 stars). 2 submissions from 2 submitters: Uncertain significance (2). Last evaluated 2024-10-01.

Conditions:
Inborn genetic diseases. Identifiers: MedGen C0950123, MeSH D030342.

Allele frequency attached by ClinVar (database versions not stated): gnomAD exomes below 0.00001; TOPMed below 0.00001.
gnomAD v4.1: 3 of 1,211,008 alleles (0.00025%); highest among the groups gnomAD compares: Non-Finnish European, 0.00034%; no homozygotes.

Submissions (2):

GeneDx
Classification: Uncertain significance. Last evaluated: 2024-10-01. Review status: criteria provided, single submitter. Criteria: GeneDx Variant Classification Process June 2021. Collection method: clinical testing. Allele origin: germline. Affected: yes.
Comment: Not observed at significant frequency in large population cohorts (gnomAD); In silico analysis supports that this missense variant has a deleterious effect on protein structure/function; Has not been previously published as pathogenic or benign to our knowledge

Ambry Genetics
Classification: Uncertain significance for Inborn genetic diseases. Last evaluated: 2017-07-27. Review status: criteria provided, single submitter. Criteria: Ambry Variant Classification Scheme 2023. Collection method: clinical testing. Allele origin: germline.
Comment: The p.Q50L variant (also known as c.149A>T), located in coding exon 2 of the ZC4H2 gene, results from an A to T substitution at nucleotide position 149. The glutamine at codon 50 is replaced by leucine, an amino acid with dissimilar properties. This amino acid position is highly conserved in available vertebrate species. In addition, the in silico prediction for this alteration is inconclusive. Since supporting evidence is limited at this time, the clinical significance of this alteration remains unclear.